The following is an entry in ClinVar:

NM_002109.6(HARS1):c.1393A>C (p.Ile465Leu)

Gene: HARS1 (histidyl-tRNA synthetase 1; minus strand). Cytogenetic location: 5q31.3.
Variant type: single nucleotide variant.
Coding change: c.1393A>C on transcript NM_002109.6 (MANE Select); coding-DNA position 1393, A replaced by C.
Protein change: p.Ile465Leu; replaces isoleucine 465 with leucine.
Molecular consequence: missense variant.
Genome position (GRCh38, 1-based): chr5:140,674,744, T>G on the plus strand (A>C on the coding strand, the complement: HARS1 is on the minus strand). VCF-style: chr5-140674744-T-G. GRCh37 (hg19) VCF-style: chr5-140054329-T-G.
Other names: c.1273A>C, p.Ile425Leu (NM_001258040.3); c.1333A>C, p.Ile445Leu (NM_001258041.3); c.1213A>C, p.Ile405Leu (NM_001258042.3); c.1171A>C, p.Ile391Leu (NM_001289092.2); c.1051A>C, p.Ile351Leu (NM_001289093.2); c.1306A>C, p.Ile436Leu (NM_001289094.2); short protein forms I351L, I391L, I405L, I425L, I436L, I445L, I465L.
Identifiers: ClinVar variation 804288 (VCV000804288.38), dbSNP rs754304255, ClinGen allele CA3443833.
Genomic context (GRCh38, chr5:140,674,744, plus strand): 5'-CCCTGCTCGTCACTGAACGGAGCTTGATGACCCCATCCTTGAGTTCCTGCTCGCCGATGA[T>G]AGCCACCAGTGGGATGCCTGCCTCCTCACAGTACTGTAACTGGTTCAGTAGCTTTGGGTT-3'
Protein context (NP_002100.2, residues 455-475): CEEAGIPLVA[Ile465Leu]IGEQELKDGV

ClinVar aggregate classification (germline): Conflicting classifications of pathogenicity. Review status: criteria provided, conflicting classifications (1 of 4 stars). 8 submissions from 7 submitters: Pathogenic (2); Likely pathogenic (2); Uncertain significance (3). 1 of the submissions does not count toward it. Last evaluated 2025-10-29.

Conditions:
HARS1-related disorder. Also called: HARS1-related condition.
Spastic ataxia. Identifiers: Orphanet 316226, MedGen C1849156, MONDO:0017845, HP:0002497.
Pes planus. Also called: Flat feet; flatfoot. Identifiers: MedGen C0016202, MONDO:0005293, HP:0001763.
Urinary urgency. Identifiers: MedGen C0085606, HP:0000012.
Motor delay. Also called: Motor retardation; Motor Developmental Delay. Identifiers: MedGen C1854301, HP:0001270.
Cerebellar ataxia. Identifiers: Orphanet 102002, MedGen C0007758, MONDO:0000437.
Scoliosis. Identifiers: MedGen C0036439, MONDO:0005392, HP:0002650.
Microcephaly. Also called: Microcephaly (disease). Identifiers: MedGen C4551563, MONDO:0001149, HP:0000252.
Intellectual disability. Also called: Intellectual developmental disorder; Intellectual functioning disability; intellectual disabilities. Identifiers: MedGen C3714756, MeSH D008607, MONDO:0001071, HP:0001249.
Hammertoe. Identifiers: MedGen C1136179, HP:0001765.
Distal muscle weakness. Identifiers: MedGen C0427065, HP:0002460.
Joint laxity. Identifiers: MedGen C0086437.
Dysarthria. Identifiers: MedGen C0013362, HP:0001260.
Peripheral neuropathy. Also called: Neuropathy. Identifiers: MedGen C0031117, MONDO:0005244, HP:0009830.
Usher syndrome type 3B. Also called: USHER SYNDROME, TYPE IIIB. Identifiers: MedGen C3281066, MONDO:0013788, OMIM 614504.

Allele frequency attached by ClinVar (database versions not stated): TOPMed 0.00002.
gnomAD v4.1: 17 of 1,614,182 alleles (0.0011%); highest among the groups gnomAD compares: Admixed American, 0.0017%; no homozygotes.

Submissions (8):

Labcorp Genetics (formerly Invitae), Labcorp
Classification: Uncertain significance for Usher syndrome type 3B. Last evaluated: 2025-10-29. Review status: criteria provided, single submitter. Criteria: Invitae Variant Classification Sherloc (09022015). Collection method: clinical testing. Allele origin: germline.
Comment: This sequence change replaces isoleucine, which is neutral and non-polar, with leucine, which is neutral and non-polar, at codon 465 of the HARS protein (p.Ile465Leu). This variant is present in population databases (rs754304255, gnomAD 0.003%). This missense change has been observed in individual(s) with clinical features of Usher syndrome and/or HARS-related conditions (PMID: 32333447, 38374194; internal data). ClinVar contains an entry for this variant (Variation ID: 804288). Invitae Evidence Modeling of protein sequence and biophysical properties (such as structural, functional, and spatial information, amino acid conservation, physicochemical variation, residue mobility, and thermodynamic stability) indicates that this missense variant is not expected to disrupt HARS protein function with a negative predictive value of 80%. Experimental studies have shown that this missense change does not substantially affect HARS function (PMID: 32333447). In summary, the available evidence is currently insufficient to determine the role of this variant in disease. Therefore, it has been classified as a Variant of Uncertain Significance.

Institute of Human Genetics, University of Leipzig Medical Center
Classification: Likely pathogenic for Usher syndrome type 3B. Last evaluated: 2025-10-09. Review status: criteria provided, single submitter. Criteria: ACMG Guidelines, 2015. Collection method: clinical testing. Allele origin: unknown. Inheritance: Autosomal recessive inheritance. Affected: yes.
Comment: Criteria applied: PM3_STR,PM2,PP3

GeneDx
Classification: Uncertain significance. Last evaluated: 2025-05-21. Review status: criteria provided, single submitter. Criteria: GeneDx Variant Classification Process June 2021. Collection method: clinical testing. Allele origin: germline. Affected: yes.
Comment: Reported in two siblings with multi-system ataxic syndrome who harboed an additional HARS1 variant in trans (PMID: 32333447); Reported in a patient with lower and upper limb neuropathy, difficulty walking, and abnormality of the cardiovascular system who harbored a second HARS1 variant in unknown phase (PMID: 38374194); In silico analysis suggests that this missense variant does not alter protein structure/function; This variant is associated with the following publications: (PMID: 34445196, 32333447, 38374194)

Blueprint Genetics
Classification: Uncertain significance. Last evaluated: 2024-05-27. Review status: criteria provided, single submitter. Criteria: ACMG Guidelines, 2015. Collection method: clinical testing. Allele origin: germline.

Kariminejad - Najmabadi Pathology & Genetics Center
Classification: Likely pathogenic for Peripheral neuropathy. Last evaluated: 2021-07-10. Review status: criteria provided, single submitter. Criteria: ACMG Guidelines, 2015. Collection method: clinical testing. Allele origin: germline. Affected: yes.

Molecular Medicine for Neurodegenerative and Neuromuscular Diseases Unit, IRCCS Fondazione Stella Maris
Classification: Pathogenic for Spastic ataxia. Last evaluated: 2021-01-04. Review status: criteria provided, single submitter. Criteria: ACMG Guidelines, 2015. Collection method: research. Allele origin: inherited. Affected: yes.

Molecular Medicine for Neurodegenerative and Neuromuscular Diseases Unit, IRCCS Fondazione Stella Maris
Classification: Pathogenic for Motor delay; Intellectual disability; Ataxia; Dysarthria; Distal muscle weakness; Microcephaly; Scoliosis; Pes planus; Joint hypermobility; Urinary urgency; Hammertoe. Last evaluated: 2019-01-01. Review status: criteria provided, single submitter. Criteria: ACMG Guidelines, 2015. Collection method: research. Allele origin: inherited. Affected: yes.

PreventionGenetics, part of Exact Sciences
Classification: Uncertain significance for HARS1-related condition. Last evaluated: 2024-02-08. Review status: no assertion criteria provided. Collection method: clinical testing. Allele origin: germline. Not counted in ClinVar's aggregate classification.
Comment: The HARS1 c.1393A>C variant is predicted to result in the amino acid substitution p.Ile465Leu. This variant was reported in the compound heterozygous state along with a second potentially causative variant in two sisters with multisystem ataxic syndrome (Galatolo et al. 2020. PubMed ID: 32333447; Galatolo et al. 2021. PubMed ID: 34445196). This variant is reported in 0.0018% of alleles in individuals of European (Non-Finnish) descent in gnomAD. At this time, the clinical significance of this variant is uncertain due to the absence of conclusive functional and genetic evidence.

Literature cited by the submitters: PubMed 32333447 (cited by Labcorp Genetics (formerly Invitae), Labcorp); PubMed 38374194 (cited by Labcorp Genetics (formerly Invitae), Labcorp).